The following is an entry in ClinVar:

NM_138927.4(SON):c.6657+147C>T

Gene: SON (SON DNA and RNA binding protein; plus strand). Cytogenetic location: 21q22.11.
Variant type: single nucleotide variant.
Coding change: c.6657+147C>T on transcript NM_138927.4 (MANE Select); 147 bases into the intron after coding-DNA position 6657, C replaced by T.
Molecular consequence: intron variant. On other transcripts: missense variant (1).
Genome position (GRCh38, 1-based): chr21:33,559,922, C>T. VCF-style: chr21-33559922-C-T. GRCh37 (hg19) VCF-style: chr21-34932228-C-T.
Other names: c.6703C>T, p.Pro2235Ser (NM_032195.3); c.741+147C>T (NM_001291412.3); c.6703C>T (NM_032195.2); short protein forms P2235S.
Identifiers: ClinVar variation 1368558 (VCV001368558.8), dbSNP rs756936782, ClinGen allele CA10010007.
Genomic context (GRCh38, chr21:33,559,922, plus strand): 5'-TTTCACTCTTCTTAGGGCCGGGTTAAACGGCAGGGCCGGGTTAGACGACAGATGAAACAA[C>T]CCGCAGCTTCTCATTTGACAGTAACTCGATGCAATTCACTTTGTGGAACCAAGCCACAAA-3'

ClinVar aggregate classification (germline): Uncertain significance. Review status: criteria provided, single submitter (1 of 4 stars). 2 submissions from 2 submitters: Uncertain significance (1). 1 of the submissions does not count toward it. Last evaluated 2024-01-24.

Conditions:
SON-related disorder. Also called: SON-related condition.

Allele frequency attached by ClinVar (database versions not stated): ExAC 0.00001; gnomAD exomes 0.00001 and 0.00006; TOPMed 0.00003; gnomAD 0.00005 and 0.00006.
gnomAD v4.1: 94 of 1,612,652 alleles (0.0058%); highest among the groups gnomAD compares: Non-Finnish European, 0.0078%; no homozygotes.

Submissions (2):

Labcorp Genetics (formerly Invitae), Labcorp
Classification: Uncertain significance. Last evaluated: 2024-01-24. Review status: criteria provided, single submitter. Criteria: Invitae Variant Classification Sherloc (09022015). Collection method: clinical testing. Allele origin: germline.
Comment: This sequence change replaces proline, which is neutral and non-polar, with serine, which is neutral and polar, at codon 2235 of the SON protein (p.Pro2235Ser). This variant is present in population databases (rs756936782, gnomAD 0.002%). This variant has not been reported in the literature in individuals affected with SON-related conditions. ClinVar contains an entry for this variant (Variation ID: 1368558). Experimental studies and prediction algorithms are not available or were not evaluated, and the functional significance of this variant is currently unknown. In summary, the available evidence is currently insufficient to determine the role of this variant in disease. Therefore, it has been classified as a Variant of Uncertain Significance.

PreventionGenetics, part of Exact Sciences
Classification: Likely benign for SON-related condition. Last evaluated: 2023-12-01. Review status: no assertion criteria provided. Collection method: clinical testing. Allele origin: germline. Not counted in ClinVar's aggregate classification.
Comment: This variant is classified as likely benign based on ACMG/AMP sequence variant interpretation guidelines (Richards et al. 2015 PMID: 25741868, with internal and published modifications).